The following is an entry in ClinVar:

NM_000059.4(BRCA2):c.5796T>G (p.His1932Gln)

Gene: BRCA2 (BRCA2 DNA repair associated; plus strand). Cytogenetic location: 13q13.1.
Variant type: single nucleotide variant.
Coding change: c.5796T>G on transcript NM_000059.4 (MANE Select); coding-DNA position 5796, T replaced by G.
Protein change: p.His1932Gln; replaces histidine 1932 with glutamine.
Molecular consequence: missense variant.
Genome position (GRCh38, 1-based): chr13:32,340,151, T>G. VCF-style: chr13-32340151-T-G. GRCh37 (hg19) VCF-style: chr13-32914288-T-G.
Other names: short protein forms H1932Q.
Identifiers: ClinVar variation 840295 (VCV000840295.12), dbSNP rs786203515, ClinGen allele CA387787195.

ClinVar aggregate classification (germline): Conflicting classifications of pathogenicity. Review status: criteria provided, conflicting classifications (1 of 4 stars). 3 submissions from 3 submitters: Uncertain significance (2); Likely benign (1). Last evaluated 2024-01-05.

Conditions:
Hereditary cancer-predisposing syndrome. Also called: Neoplastic Syndromes, Hereditary; Tumor predisposition; Hereditary neoplastic syndrome; Hereditary Cancer Syndrome. Identifiers: Orphanet 140162, MedGen C0027672, MeSH D009386, MONDO:0015356.
Hereditary breast ovarian cancer syndrome. Also called: Hereditary breast and ovarian cancer syndrome (HBOC); Hereditary breast and ovarian cancer; Hereditary breast and/or ovarian cancer syndrome; Hereditary breast and ovarian cancer syndrome; Breast and ovarian cancer; BRCA1- and BRCA2-Associated Hereditary Breast and Ovarian Cancer. Identifiers: Orphanet 145, MedGen C0677776, MeSH D061325, MONDO:0003582. Disease mechanism: loss of function.

Submissions (3):

Ambry Genetics
Classification: Uncertain significance for Hereditary cancer-predisposing syndrome. Last evaluated: 2024-01-05. Review status: criteria provided, single submitter. Criteria: Ambry Variant Classification Scheme 2023. Collection method: clinical testing. Allele origin: germline.
Comment: The p.H1932Q variant (also known as c.5796T>G), located in coding exon 10 of the BRCA2 gene, results from a T to G substitution at nucleotide position 5796. The histidine at codon 1932 is replaced by glutamine, an amino acid with highly similar properties. This amino acid position is conserved. In addition, this alteration is predicted to be tolerated by in silico analysis. Since supporting evidence is limited at this time, the clinical significance of this alteration remains unclear.

University of Washington Department of Laboratory Medicine, University of Washington
Classification: Likely benign for Hereditary cancer-predisposing syndrome. Last evaluated: 2023-03-23. Review status: criteria provided, single submitter. Criteria: Dines et al. (Genet Med. 2020). Collection method: curation. Allele origin: germline.
Comment: Missense variant in a coldspot region where missense variants are very unlikely to be pathogenic (PMID:31911673).

BRCA2 exon 11 coldspot. Reclassification based on statistical prior probability.

Labcorp Genetics (formerly Invitae), Labcorp
Classification: Uncertain significance for Hereditary breast ovarian cancer syndrome. Last evaluated: 2019-03-22. Review status: criteria provided, single submitter. Criteria: Invitae Variant Classification Sherloc (09022015). Collection method: clinical testing. Allele origin: germline.
Comment: In summary, the available evidence is currently insufficient to determine the role of this variant in disease. Therefore, it has been classified as a Variant of Uncertain Significance. Algorithms developed to predict the effect of sequence changes on RNA splicing suggest that this variant may create or strengthen a splice site, but this prediction has not been confirmed by published transcriptional studies. Algorithms developed to predict the effect of missense changes on protein structure and function (SIFT, PolyPhen-2, Align-GVGD) all suggest that this variant is likely to be tolerated, but these predictions have not been confirmed by published functional studies and their clinical significance is uncertain. This variant has not been reported in the literature in individuals with BRCA2-related conditions. This variant is not present in population databases (ExAC no frequency). This sequence change replaces histidine with glutamine at codon 1932 of the BRCA2 protein (p.His1932Gln). The histidine residue is weakly conserved and there is a small physicochemical difference between histidine and glutamine.